The following is an entry in ClinVar:

NM_000182.5(HADHA):c.1633_1636delinsGGAAGGTCCTGG (p.Phe545fs)

Genes: HADHA (hydroxyacyl-CoA dehydrogenase trifunctional multienzyme complex subunit alpha; minus strand), GAREM2 (GRB2 associated regulator of MAPK1 subtype 2; plus strand). Cytogenetic location: 2p23.3.
Variant type: Indel.
Coding change: c.1633_1636delinsGGAAGGTCCTGG on transcript NM_000182.5 (MANE Select); coding-DNA positions 1633 to 1636, TTCT replaced by GGAAGGTCCTGG.
Protein change: p.Phe545fs; shifts the reading frame from phenylalanine 545.
Molecular consequence: frameshift variant.
Genome position (GRCh38, 1-based): chr2:26,194,623-26,194,626, AGAA replaced by CCAGGACCTTCC on the plus strand (TTCT replaced by GGAAGGTCCTGG on the coding strand, the reverse complement: HADHA is on the minus strand). VCF-style: chr2-26194623-AGAA-CCAGGACCTTCC. GRCh37 (hg19) VCF-style: chr2-26417492-AGAA-CCAGGACCTTCC.
Other names: short protein forms F545fs.
Identifiers: ClinVar variation 1722335 (VCV001722335.1), dbSNP rs2465515942, ClinGen allele CA2580066176.

ClinVar aggregate classification (germline): Likely pathogenic (1 of 4 stars; one submission).

Conditions:
Long chain 3-hydroxyacyl-CoA dehydrogenase deficiency. Also called: LCHAD Deficiency; Deficiency of long-chain 3-hydroxyacyl-coenzyme A dehydrogenase. Identifiers: Orphanet 5, MedGen C3711645, MONDO:0012173, OMIM 609016.

Submission:

Women's Health and Genetics/Laboratory Corporation of America, LabCorp
Classification: Likely pathogenic for Long chain 3-hydroxyacyl-CoA dehydrogenase deficiency. Last evaluated: 2022-09-04. Review status: criteria provided, single submitter. Criteria: LabCorp Variant Classification Summary - May 2015. Collection method: clinical testing. Allele origin: germline.
Comment: Variant summary: HADHA c.1633_1636delins12 (p.Phe545GlyfsX13) results in a premature termination codon, predicted to cause a truncation of the encoded protein or absence of the protein due to nonsense mediated decay, which are commonly known mechanisms for disease. Truncations downstream of this position have been classified as pathogenic by our laboratory. The variant was absent in 251448 control chromosomes (gnomAD). To our knowledge, no occurrence of c.1633_1636delins12 in individuals affected with Long Chain 3-Hydroxyacyl-CoA Dehydrogenase Deficiency and no experimental evidence demonstrating its impact on protein function have been reported. No clinical diagnostic laboratories have submitted clinical-significance assessments for this variant to ClinVar after 2014. Based on the evidence outlined above, the variant was classified as likely pathogenic.